The following is an entry in ClinVar:

NM_006516.4(SLC2A1):c.658G>A (p.Glu220Lys)

Gene: SLC2A1 (solute carrier family 2 member 1; minus strand). Cytogenetic location: 1p34.2.
Variant type: single nucleotide variant.
Coding change: c.658G>A on transcript NM_006516.4 (MANE Select); coding-DNA position 658, G replaced by A.
Protein change: p.Glu220Lys; replaces glutamic acid 220 with lysine.
Molecular consequence: missense variant.
Genome position (GRCh38, 1-based): chr1:42,929,894, C>T on the plus strand (G>A on the coding strand, the complement: SLC2A1 is on the minus strand). VCF-style: chr1-42929894-C-T. GRCh37 (hg19) VCF-style: chr1-43395565-C-T.
Other names: short protein forms E220K.
Identifiers: ClinVar variation 1494699 (VCV001494699.6), dbSNP rs1448464718, ClinGen allele CA339958496.

ClinVar aggregate classification (germline): Uncertain significance (1 of 4 stars; one submission).

Conditions:
GLUT1 deficiency syndrome 1, autosomal recessive. Identifiers: MedGen C3149117.

Allele frequency attached by ClinVar (database versions not stated): gnomAD exomes below 0.00001; TOPMed 0.00001.
gnomAD v4.1: 2 of 1,614,128 alleles (0.00012%); highest among the groups gnomAD compares: South Asian, 0.0011%; no homozygotes.

Submission:

Labcorp Genetics (formerly Invitae), Labcorp
Classification: Uncertain significance for GLUT1 deficiency syndrome 1, autosomal recessive. Last evaluated: 2025-11-11. Review status: criteria provided, single submitter. Criteria: Invitae Variant Classification Sherloc (09022015). Collection method: clinical testing. Allele origin: germline.
Comment: This sequence change replaces glutamic acid, which is acidic and polar, with lysine, which is basic and polar, at codon 220 of the SLC2A1 protein (p.Glu220Lys). This variant is not present in population databases (gnomAD no frequency). This variant has not been reported in the literature in individuals affected with SLC2A1-related conditions. ClinVar contains an entry for this variant (Variation ID: 1494699). Invitae Evidence Modeling of protein sequence and biophysical properties (such as structural, functional, and spatial information, amino acid conservation, physicochemical variation, residue mobility, and thermodynamic stability) indicates that this missense variant is not expected to disrupt SLC2A1 protein function with a negative predictive value of 95%. In summary, the available evidence is currently insufficient to determine the role of this variant in disease. Therefore, it has been classified as a Variant of Uncertain Significance.